The following is an entry in ClinVar:

NM_000179.3(MSH6):c.382C>T (p.Arg128Cys)

Gene: MSH6 (mutS homolog 6; plus strand). Cytogenetic location: 2p16.3.
Variant type: single nucleotide variant.
Coding change: c.382C>T on transcript NM_000179.3 (MANE Select); coding-DNA position 382, C replaced by T.
Protein change: p.Arg128Cys; replaces arginine 128 with cysteine.
Molecular consequence: missense variant. On other transcripts: 5 prime UTR variant (2), intron variant (1).
Genome position (GRCh38, 1-based): chr2:47,791,048, C>T. VCF-style: chr2-47791048-C-T. GRCh37 (hg19) VCF-style: chr2-48018187-C-T.
Other names: c.-355C>T (NM_001281493.2); c.-521C>T (NM_001281494.2); c.238-7563C>T (NM_001281492.2); short protein forms R128C.
Identifiers: ClinVar variation 455296 (VCV000455296.15), dbSNP rs1251938412, ClinGen allele CA346737052.

ClinVar aggregate classification (germline): Conflicting classifications of pathogenicity. Review status: criteria provided, conflicting classifications (1 of 4 stars). 5 submissions from 5 submitters: Uncertain significance (4); Likely benign (1). Last evaluated 2025-01-21.

Conditions:
Hereditary nonpolyposis colorectal neoplasms. Identifiers: MedGen C0009405, MeSH D003123.
Hereditary cancer-predisposing syndrome. Also called: Hereditary Cancer Syndrome; Hereditary neoplastic syndrome; Neoplastic Syndromes, Hereditary; Tumor predisposition. Identifiers: Orphanet 140162, MedGen C0027672, MeSH D009386, MONDO:0015356.
Lynch syndrome 5 (LYNCH5). Also called: Hereditary non-polyposis colorectal cancer, type 5; Colorectal cancer, hereditary nonpolyposis, type 5. Identifiers: Orphanet 144, MedGen C1833477, MONDO:0013710, OMIM 614350. Disease mechanism: loss of function.

Allele frequency attached by ClinVar (database versions not stated): gnomAD exomes below 0.00001.
gnomAD v4.1: 6 of 1,614,158 alleles (0.00037%); highest among the groups gnomAD compares: Middle Eastern, 0.016%; no homozygotes.

Submissions (5):

GeneDx
Classification: Uncertain significance. Last evaluated: 2025-01-21. Review status: criteria provided, single submitter. Criteria: GeneDx Variant Classification Process June 2021. Collection method: clinical testing. Allele origin: germline. Affected: yes.
Comment: Not observed at significant frequency in large population cohorts (gnomAD); In silico analysis supports that this missense variant has a deleterious effect on protein structure/function; Has not been previously published as pathogenic or benign to our knowledge; This variant is associated with the following publications: (PMID: 29760388)

Ambry Genetics
Classification: Uncertain significance for Hereditary cancer-predisposing syndrome. Last evaluated: 2024-04-01. Review status: criteria provided, single submitter. Criteria: Ambry Variant Classification Scheme 2023. Collection method: clinical testing. Allele origin: germline.
Comment: The p.R128C variant (also known as c.382C>T), located in coding exon 2 of the MSH6 gene, results from a C to T substitution at nucleotide position 382. The arginine at codon 128 is replaced by cysteine, an amino acid with highly dissimilar properties. This amino acid position is highly conserved in available vertebrate species. In addition, the in silico prediction for this alteration is inconclusive. Since supporting evidence is limited at this time, the clinical significance of this alteration remains unclear.

St. Jude Molecular Pathology, St. Jude Children's Research Hospital
Classification: Uncertain significance for Lynch syndrome 5. Last evaluated: 2022-11-29. Review status: criteria provided, single submitter. Criteria: St. Jude Assertion Criteria 2020. Collection method: clinical testing. Allele origin: germline.
Comment: The MSH6 c.382C>T (p.Arg128Cys) missense change has a maximum subpopulation frequency of 0.00088% in gnomAD v2.1.1. The in silico tool REVEL is inconclusive about a pathogenic or benign effect of this variant on protein function, and to our knowledge functional studies have not been performed. To our knowledge, this variant has not been reported in individuals with Lynch syndrome or CMMRD. In summary, the evidence currently available is insufficient to determine the clinical significance of this variant. It has therefore been classified as of uncertain significance.

Labcorp Genetics (formerly Invitae), Labcorp
Classification: Likely benign for Hereditary nonpolyposis colorectal neoplasms. Last evaluated: 2022-11-06. Review status: criteria provided, single submitter. Criteria: Invitae Variant Classification Sherloc (09022015). Collection method: clinical testing. Allele origin: germline.

Color Diagnostics, LLC DBA Color Health
Classification: Uncertain significance for Hereditary cancer-predisposing syndrome. Last evaluated: 2018-12-29. Review status: criteria provided, single submitter. Criteria: ACMG Guidelines, 2015. Collection method: clinical testing. Allele origin: germline.